The following is an entry in ClinVar:

NM_003924.4(PHOX2B):c.815G>C (p.Gly272Ala)

Gene: PHOX2B (paired like homeobox 2B; minus strand). Cytogenetic location: 4p13.
Variant type: single nucleotide variant.
Coding change: c.815G>C on transcript NM_003924.4 (MANE Select); coding-DNA position 815, G replaced by C.
Protein change: p.Gly272Ala; replaces glycine 272 with alanine.
Molecular consequence: missense variant.
Genome position (GRCh38, 1-based): chr4:41,745,937, C>G on the plus strand (G>C on the coding strand, the complement: PHOX2B is on the minus strand). VCF-style: chr4-41745937-C-G. GRCh37 (hg19) VCF-style: chr4-41747954-C-G.
Other names: short protein forms G272A.
Identifiers: ClinVar variation 3021927 (VCV003021927.3), dbSNP rs1355806826, ClinGen allele CA356737087.
Genomic context (GRCh38, chr4:41,745,937, plus strand): 5'-GCGAAGGGACCCCCAAGCGAATCCGGGATGGAGGTGATGGGGCCGGGGCCGGGAGCCCAG[C>G]CTTGTCCAGGGCCCCCAGCCGCAGCCAGGCCTCCAGCTGCCGCCGCTGCCGCTGCCGCCG-3'
Protein context (NP_003915.2, residues 262-282): GLAAAGGPGQ[Gly272Ala]WAPGPGPITS

ClinVar aggregate classification (germline): Uncertain significance (1 of 4 stars; one submission).

Conditions:
Haddad syndrome (OHD). Also called: Ondine-Hirschsprung disease. Identifiers: Orphanet 99803, MedGen C1859049, MONDO:0020493.

Submission:

Labcorp Genetics (formerly Invitae), Labcorp
Classification: Uncertain significance for Haddad syndrome. Last evaluated: 2023-01-23. Review status: criteria provided, single submitter. Criteria: Invitae Variant Classification Sherloc (09022015). Collection method: clinical testing. Allele origin: germline.
Comment: In summary, the available evidence is currently insufficient to determine the role of this variant in disease. Therefore, it has been classified as a Variant of Uncertain Significance. Algorithms developed to predict the effect of missense changes on protein structure and function are either unavailable or do not agree on the potential impact of this missense change (SIFT: "Deleterious"; PolyPhen-2: "Not Available"; Align-GVGD: "Class C0"). This variant has not been reported in the literature in individuals affected with PHOX2B-related conditions. This variant is not present in population databases (gnomAD no frequency). This sequence change replaces glycine, which is neutral and non-polar, with alanine, which is neutral and non-polar, at codon 272 of the PHOX2B protein (p.Gly272Ala).